The following is an entry in ClinVar:

NM_001370259.2(MEN1):c.108C>T (p.Leu36=)

Gene: MEN1 (menin 1; minus strand). Cytogenetic location: 11q13.1.
Variant type: single nucleotide variant.
Coding change: c.108C>T on transcript NM_001370259.2 (MANE Select); coding-DNA position 108, C replaced by T.
Protein change: p.Leu36=; no amino-acid change (leucine 36 retained).
Molecular consequence: synonymous variant. On other transcripts: non-coding transcript variant (4).
Genome position (GRCh38, 1-based): chr11:64,810,002, G>A on the plus strand (C>T on the coding strand, the complement: MEN1 is on the minus strand). VCF-style: chr11-64810002-G-A. GRCh37 (hg19) VCF-style: chr11-64577474-G-A.
Other names: c.108C>T, p.Leu36= (NM_000244.4, NM_001370251.2, NM_001370260.2 and 20 more transcripts).
Identifiers: ClinVar variation 2046038 (VCV002046038.6), dbSNP rs1592660352, ClinGen allele CA475163030.

ClinVar aggregate classification (germline): Benign/Likely benign. Review status: criteria provided, multiple submitters, no conflicts (2 of 4 stars). 3 submissions from 3 submitters: Benign (1); Likely benign (2). Last evaluated 2025-06-18.

Conditions:
Multiple endocrine neoplasia, type 1 (MEN1). Also called: MEA I; MEN I; WERMER SYNDROME; Endocrine adenomatosis multiple; MEN 1. Identifiers: Orphanet 652, MedGen C0025267, MeSH D018761, MONDO:0007540, OMIM 131100.
Hereditary cancer-predisposing syndrome. Also called: Hereditary Cancer Syndrome; Tumor predisposition; Neoplastic Syndromes, Hereditary; Hereditary neoplastic syndrome. Identifiers: Orphanet 140162, MedGen C0027672, MeSH D009386, MONDO:0015356.

Submissions (3):

Labcorp Genetics (formerly Invitae), Labcorp
Classification: Likely benign for Multiple endocrine neoplasia, type 1. Last evaluated: 2025-06-18. Review status: criteria provided, single submitter. Criteria: Invitae Variant Classification Sherloc (09022015). Collection method: clinical testing. Allele origin: germline.

Ambry Genetics
Classification: Likely benign for Hereditary cancer-predisposing syndrome. Last evaluated: 2025-03-29. Review status: criteria provided, single submitter. Criteria: Ambry Variant Classification Scheme 2023. Collection method: clinical testing. Allele origin: germline.

Myriad Genetics, Inc.
Classification: Benign for Multiple endocrine neoplasia, type 1. Last evaluated: 2024-10-31. Review status: criteria provided, single submitter. Criteria: Myriad Autosomal Dominant, Autosomal Recessive and X-Linked Classification Criteria (2023). Collection method: clinical testing. Allele origin: unknown.
Comment: This variant is considered benign. This variant is a silent/synonymous amino acid change and it is not expected to impact splicing.